The following is an entry in ClinVar:

ClinVar aggregate classification (germline): Uncertain significance (1 of 4 stars; one submission).

Conditions:
Glycine encephalopathy. Also called: Nonketotic hyperglycinemia; Non-ketotic hyperglycinemia. Identifiers: Orphanet 407, MedGen C0751748, MONDO:0011612, HP:0008288.

Allele frequency attached by ClinVar (database versions not stated): gnomAD exomes below 0.00001 and 0.00001; gnomAD 0.00002.
gnomAD v4.1: 23 of 1,613,350 alleles (0.0014%); highest among the groups gnomAD compares: Non-Finnish European, 0.0018%; no homozygotes.

Submission:

Labcorp Genetics (formerly Invitae), Labcorp
Classification: Uncertain significance for Glycine encephalopathy. Last evaluated: 2022-01-07. Review status: criteria provided, single submitter. Criteria: Invitae Variant Classification Sherloc (09022015). Collection method: clinical testing. Allele origin: germline.
Comment: This sequence change replaces alanine, which is neutral and non-polar, with valine, which is neutral and non-polar, at codon 97 of the GLDC protein (p.Ala97Val). The frequency data for this variant in the population databases is considered unreliable, as metrics indicate poor data quality at this position in the gnomAD database. This variant has not been reported in the literature in individuals affected with GLDC-related conditions. Advanced modeling of protein sequence and biophysical properties (such as structural, functional, and spatial information, amino acid conservation, physicochemical variation, residue mobility, and thermodynamic stability) performed at Invitae indicates that this missense variant is not expected to disrupt GLDC protein function. In summary, the available evidence is currently insufficient to determine the role of this variant in disease. Therefore, it has been classified as a Variant of Uncertain Significance.

NM_000170.3(GLDC):c.290C>T (p.Ala97Val)

Gene: GLDC (glycine decarboxylase; minus strand). Cytogenetic location: 9p24.1.
Variant type: single nucleotide variant.
Coding change: c.290C>T on transcript NM_000170.3 (MANE Select); coding-DNA position 290, C replaced by T.
Protein change: p.Ala97Val; replaces alanine 97 with valine.
Molecular consequence: missense variant.
Genome position (GRCh38, 1-based): chr9:6,644,658, G>A on the plus strand (C>T on the coding strand, the complement: GLDC is on the minus strand). VCF-style: chr9-6644658-G-A. GRCh37 (hg19) VCF-style: chr9-6644658-G-A.
Other names: short protein forms A97V.
Identifiers: ClinVar variation 1511342 (VCV001511342.3), dbSNP rs917975796, ClinGen allele CA372885767.